The following is an entry in ClinVar:

NM_001005242.3(PKP2):c.1132C>T (p.Gln378Ter)

Gene: PKP2 (plakophilin 2; minus strand). Cytogenetic location: 12p11.21.
Variant type: single nucleotide variant.
Coding change: c.1132C>T on transcript NM_001005242.3 (MANE Select); coding-DNA position 1132, C replaced by T.
Protein change: p.Gln378Ter; replaces glutamine 378 with a stop codon.
Molecular consequence: nonsense.
Genome position (GRCh38, 1-based): chr12:32,868,965, G>A on the plus strand (C>T on the coding strand, the complement: PKP2 is on the minus strand). VCF-style: chr12-32868965-G-A. GRCh37 (hg19) VCF-style: chr12-33021899-G-A.
Other names: p.Q378X:CAG>TAG; c.1132C>T, p.Gln378Ter (NM_004572.4); short protein forms Q378*.
Identifiers: ClinVar variation 45010 (VCV000045010.37), dbSNP rs397516986, ClinGen allele CA010817.

ClinVar aggregate classification (germline): Pathogenic. Review status: criteria provided, multiple submitters, no conflicts (2 of 4 stars). 12 submissions from 12 submitters: Pathogenic (12). Last evaluated 2026-02-02.

Conditions:
PKP2-related disorder. Also called: PKP2-related condition.
Familial isolated arrhythmogenic right ventricular dysplasia. Identifiers: Orphanet 217656, MedGen C4274968, MONDO:0016342.
Cardiovascular phenotype. Identifiers: MedGen CN230736.
Arrhythmogenic right ventricular cardiomyopathy (ARVD). Also called: Arrhythmogenic cardiomyopathy; Arrhythmogenic Right Ventricular Cardiomyopathy (ARVC); Cardiomyopathy, ARVC; Arrhythmogenic right ventricular dysplasia. Identifiers: Orphanet 247, MedGen C0349788, MeSH D019571, MONDO:0016587. Disease mechanism: loss of function. Inheritance: Various modes of inheritance.
Cardiomyopathy (CMYO). Also called: Cardiomyopathies. Identifiers: Orphanet 167848, MedGen C0878544, MONDO:0004994, HP:0001638. Inheritance: Various modes of inheritance.
Arrhythmogenic right ventricular dysplasia 9 (ARVD9). Also called: Arrhythmogenic Right Ventricular Dysplasia/Cardiomyopathy 9; ARRHYTHMOGENIC RIGHT VENTRICULAR DYSPLASIA, FAMILIAL, 9. Identifiers: MedGen C1836906, MONDO:0012180, OMIM 609040.

Allele frequency attached by ClinVar (database versions not stated): gnomAD 0.00001; gnomAD exomes below 0.00001; TOPMed 0.00001.
gnomAD v4.1: 8 of 1,613,738 alleles (0.0005%); highest among the groups gnomAD compares: South Asian, 0.0011%; no homozygotes.

Submissions (12):

GeneDx
Classification: Pathogenic. Last evaluated: 2026-02-02. Review status: criteria provided, single submitter. Criteria: GeneDx Variant Classification Process June 2021. Collection method: clinical testing. Allele origin: germline. Affected: yes.
Comment: Nonsense variant predicted to result in protein truncation or nonsense mediated decay in a gene for which loss of function is a known mechanism of disease; Not observed at significant frequency in large population cohorts (gnomAD); This variant is associated with the following publications: (PMID: 24585727, 34120153, 23973953, 28588093, 31386562, 31402444, 20400443, 23514727, 23671136, 27727376, 27532257, 28431057, 25820315, 29178656, 33087929, 31847883, 35536239, 36264615, 35819174, 36386348, 30790397, 19880068)

Labcorp Genetics (formerly Invitae), Labcorp
Classification: Pathogenic for Arrhythmogenic right ventricular dysplasia 9. Last evaluated: 2026-01-05. Review status: criteria provided, single submitter. Criteria: Invitae Variant Classification Sherloc (09022015). Collection method: clinical testing. Allele origin: germline.
Comment: This sequence change creates a premature translational stop signal (p.Gln378*) in the PKP2 gene. It is expected to result in an absent or disrupted protein product. Loss-of-function variants in PKP2 are known to be pathogenic (PMID: 15489853, 17041889, 23911551). This variant is present in population databases (rs397516986, gnomAD 0.002%). This premature translational stop signal has been observed in individual(s) with arrhythmogenic right ventricular cardiomyopathy (PMID: 19880068, 23514727, 27532257). ClinVar contains an entry for this variant (Variation ID: 45010). For these reasons, this variant has been classified as Pathogenic.

Ambry Genetics
Classification: Pathogenic for Cardiovascular phenotype. Last evaluated: 2024-12-31. Review status: criteria provided, single submitter. Criteria: Ambry Variant Classification Scheme 2023. Collection method: clinical testing. Allele origin: germline.
Comment: The p.Q378* pathogenic mutation (also known as c.1132C>T), located in coding exon 4 of the PKP2 gene, results from a C to T substitution at nucleotide position 1132. This changes the amino acid from a glutamine to a stop codon within coding exon 4. This alteration has been reported in multiple unrelated individuals with confirmed or suspected arrhythmogenic right ventricular dysplasia/cardiomyopathy (ARVD/C) (Philips B et al. Circ Arrhythm Electrophysiol. 2014;7(2):230-6; Kumar S et al. Heart Rhythm. 2013; 10(11):1653-60; Ohno S et al. Circ J. 2013;77(6):1534-42; Fressart V et al. Europace. 2010;12(6):861-8; Watkins DA et al. Heart Rhythm. 2009;6(11 Suppl):S10-7). This variant is considered to be rare based on population cohorts in the Genome Aggregation Database (gnomAD). In addition to the clinical data presented in the literature, this alteration is expected to result in loss of function by premature protein truncation or nonsense-mediated mRNA decay. As such, this alteration is interpreted as a disease-causing mutation.

All of Us Research Program, National Institutes of Health
Classification: Pathogenic for Arrhythmogenic right ventricular cardiomyopathy. Last evaluated: 2024-09-23. Review status: criteria provided, single submitter. Criteria: ACMG Guidelines, 2015. Collection method: clinical testing. Allele origin: germline. Inheritance: Autosomal dominant inheritance. Observed: 1 variant allele, 1 heterozygote.
Comment: This variant changes 1 nucleotide in exon 4 of the PKP2 gene, creating a premature translation stop signal. This variant is expected to result in an absent or non-functional protein product. This variant has been reported in more than 15 individuals affected with arrhythmogenic right ventricular cardiomyopathy (PMID: 19880068, 20400443, 23514727, 23671136, 24585727, 25820315, 27532257, 27727376, 28431057, 28588093, 29178656). This variant has been identified in 2/282774 chromosomes in the general population by the Genome Aggregation Database (gnomAD). Loss of PKP2 function is a known mechanism of disease. Based on the available evidence, this variant is classified as Pathogenic.

This study involves interpretation of variants in research participants for the purpose of population health screening. Participant phenotype was not available at the time of variant classification. Additional details can be found in publication PMID: 35346344, PMCID: PMC8962531

Blueprint Genetics
Classification: Pathogenic for PKP2-related disorders. Last evaluated: 2024-08-22. Review status: criteria provided, single submitter. Criteria: ACMG Guidelines, 2015. Collection method: clinical testing. Allele origin: germline. Affected: yes. Observed: 4 variant alleles.

Color Diagnostics, LLC DBA Color Health
Classification: Pathogenic for Cardiomyopathy. Last evaluated: 2024-07-24. Review status: criteria provided, single submitter. Criteria: ACMG Guidelines, 2015. Collection method: clinical testing. Allele origin: germline.
Comment: This variant changes 1 nucleotide in exon 4 of the PKP2 gene, creating a premature translation stop signal. This variant is expected to result in an absent or non-functional protein product. This variant has been reported in more than 15 individuals affected with arrhythmogenic right ventricular cardiomyopathy (PMID: 19880068, 20400443, 23514727, 23671136, 24585727, 25820315, 27532257, 27727376, 28431057, 28588093, 29178656). This variant has been identified in 2/282774 chromosomes in the general population by the Genome Aggregation Database (gnomAD). Loss of PKP2 function is a known mechanism of disease. Based on the available evidence, this variant is classified as Pathogenic.

Women's Health and Genetics/Laboratory Corporation of America, LabCorp
Classification: Pathogenic for Familial isolated arrhythmogenic right ventricular dysplasia. Last evaluated: 2024-07-08. Review status: criteria provided, single submitter. Criteria: LabCorp Variant Classification Summary - May 2015. Collection method: clinical testing. Allele origin: germline.
Comment: Variant summary: PKP2 c.1132C>T (p.Gln378X) results in a premature termination codon, predicted to cause a truncation of the encoded protein or absence of the protein due to nonsense mediated decay, which are commonly known mechanisms for disease. The variant allele was found at a frequency of 4e-06 in 251360 control chromosomes. c.1132C>T has been reported in the literature in at least one individual affected with Arrhythmogenic Right Ventricular Dysplasia/Cardiomyopathy (e.g. Ohno_2013). To our knowledge, no experimental evidence demonstrating an impact on protein function has been reported. The following publication has been ascertained in the context of this evaluation (PMID: 23514727). ClinVar contains an entry for this variant (Variation ID: 45010). Based on the evidence outlined above, the variant was classified as pathogenic.

Victorian Clinical Genetics Services, Murdoch Childrens Research Institute
Classification: Pathogenic for Arrhythmogenic right ventricular dysplasia 9. Last evaluated: 2022-02-02. Review status: criteria provided, single submitter. Criteria: ACMG Guidelines, 2015. Collection method: clinical testing. Allele origin: germline. Inheritance: Autosomal dominant inheritance.
Comment: Based on the classification scheme VCGS_Germline_v1.3.4, this variant is classified as Pathogenic. Following criteria are met: 0102 - Loss of function is a known mechanism of disease in this gene and is associated with arrhythmogenic right ventricular dysplasia 9 (ARVD9; MIM#609040). (I) 0107 - This gene is associated with autosomal dominant disease. (I) 0112 - The condition associated with this gene has incomplete penetrance (PMID: 17010805, 23183494). (I) 0115 - Variants in this gene are known to have variable expressivity (PMID: 17010805, 23183494). (I) 0201 - Variant is predicted to cause nonsense-mediated decay (NMD) and loss of protein (premature termination codon is located at least 54 nucleotides upstream of the final exon-exon junction). (SP) 0251 - This variant is heterozygous. (I) 0302 - Variant is present in gnomAD (v2) <0.001 for a dominant condition (2 heterozygotes, 0 homozygotes). (SP) 0701 - Other variants predicted to cause NMD comparable to the one identified in this case have very strong previous evidence for pathogenicity (DECIPHER). (SP) 0801 - This variant has strong previous evidence of pathogenicity in unrelated individuals (ClinVar). (SP) 1208 - Inheritance information for this variant is not currently available in this individual. (I) Legend: (SP) - Supporting pathogenic, (I) - Information, (SB) - Supporting benign

AiLife Diagnostics
Classification: Pathogenic. Last evaluated: 2021-11-09. Review status: criteria provided, single submitter. Criteria: ACMG Guidelines, 2015. Collection method: clinical testing. Allele origin: germline. Affected: yes. Observed: 1 variant allele.

Revvity Omics, Revvity
Classification: Pathogenic for Arrhythmogenic right ventricular dysplasia 9. Last evaluated: 2019-09-11. Review status: criteria provided, single submitter. Criteria: ACMG Guidelines, 2015. Collection method: clinical testing. Allele origin: germline.

Johns Hopkins Genomics, Johns Hopkins University
Classification: Pathogenic for Arrhythmogenic right ventricular dysplasia 9. Last evaluated: 2019-07-26. Review status: criteria provided, single submitter. Criteria: ACMG Guidelines, 2015. Collection method: clinical testing. Allele origin: germline.

Laboratory for Molecular Medicine, Mass General Brigham Personalized Medicine
Classification: Pathogenic for Arrhythmogenic right ventricular cardiomyopathy. Last evaluated: 2018-10-24. Review status: criteria provided, single submitter. Criteria: LMM Criteria. Collection method: clinical testing. Allele origin: germline. Inheritance: Autosomal dominant inheritance. Observed: 11 variant alleles.
Comment: The p.Gln378X variant in PKP2 has been identified in >15 individuals with ARVC ( Watkins 2009, Fressart 2010, Bhonsale 2013, Kumar 2013 Ohno 2013, Kumar 2013, Ph ilips 2014, Groeneweg 2015, Torkamani 2016, Sonoda 2017, Wada 2017, Orgeron 2017 , LMM data) and was reported to be de novo in 1 case (Horie 2008). It has also b een reported by other clinical laboratories in ClinVar (Variation ID # 45010) an d has been identified in 2/129154 European chromosomes by gnomAD (.). This nonsense variant leads to a premature termination codo n at position 378, which is predicted to lead to a truncated or absent protein. Loss of function of the PKP2 gene is an established disease mechanism in in indi viduals autosomal dominant ARVC. In summary, this variant meets criteria to be c lassified as pathogenic for autosomal dominant ARVC. ACMG/AMP criteria applied: PVS1, PS4, PM2, PM6.

Literature cited by the submitters: PubMed 15489853 (cited by Labcorp Genetics (formerly Invitae), Labcorp); PubMed 17041889 (cited by Labcorp Genetics (formerly Invitae), Labcorp); PubMed 23911551 (cited by Labcorp Genetics (formerly Invitae), Labcorp); PubMed 19880068 (cited by 6 submitters); PubMed 23514727 (cited by 7 submitters); PubMed 27532257 (cited by 6 submitters); PubMed 20400443 (cited by 4 submitters); PubMed 23671136 (cited by 4 submitters); PubMed 23973953 (cited by Ambry Genetics and Laboratory for Molecular Medicine, Mass General Brigham Personalized Medicine); PubMed 24585727 (cited by 4 submitters); PubMed 28431057 (cited by 4 submitters); PubMed 28588093 (cited by 4 submitters); PubMed 29178656 (cited by 4 submitters); PubMed 30790397 (cited by Ambry Genetics and AiLife Diagnostics); PubMed 25820315 (cited by 3 submitters); PubMed 27727376 (cited by 3 submitters); PubMed 17010805 (cited by Victorian Clinical Genetics Services, Murdoch Childrens Research Institute); PubMed 23183494 (cited by Victorian Clinical Genetics Services, Murdoch Childrens Research Institute); PubMed 33087929 (cited by AiLife Diagnostics); PubMed 31386562 (cited by AiLife Diagnostics); PubMed 31402444 (cited by AiLife Diagnostics).